The following is an entry in ClinVar:

NM_018474.6(KIZ):c.405+5T>C

Gene: KIZ (kizuna centrosomal protein; plus strand). Cytogenetic location: 20p11.23.
Variant type: single nucleotide variant.
Coding change: c.405+5T>C on transcript NM_018474.6 (MANE Select); 5 bases into the intron after coding-DNA position 405, T replaced by C.
Molecular consequence: intron variant.
Genome position (GRCh38, 1-based): chr20:21,145,659, T>C. VCF-style: chr20-21145659-T-C. GRCh37 (hg19) VCF-style: chr20-21126300-T-C.
Other names: c.258+5T>C (NM_001276389.2); c.63+5T>C (NM_001352436.2); c.405+5T>C (NM_001352434.2); c.96+5T>C (NM_001163022.3, NM_001352435.2); c.6+13500T>C (NM_001163023.3).
Identifiers: ClinVar variation 1970464 (VCV001970464.5), dbSNP rs1443241673, ClinGen allele CA742028718.
Genomic context (GRCh38, chr20:21,145,659, plus strand): 5'-GCTCAAAAGATAGCCTGGGACTAAAAGAGGAACTGACAGATGAAGACAGAGAAAAGGTAA[T>C]AAACTAAATTGGTAACCTTTCTGTTAACAGAGGAATTCTGGAGTGTTTATATCTTGAGAT-3'

ClinVar aggregate classification (germline): Uncertain significance (1 of 4 stars; one submission).

Allele frequency attached by ClinVar (database versions not stated): TOPMed below 0.00001; gnomAD 0.00001.
gnomAD v4.1: 1 of 1,322,662 alleles (0.000076%); highest among the groups gnomAD compares: Non-Finnish European, 0.0001%; no homozygotes.

Submission:

Labcorp Genetics (formerly Invitae), Labcorp
Classification: Uncertain significance. Last evaluated: 2022-02-05. Review status: criteria provided, single submitter. Criteria: Invitae Variant Classification Sherloc (09022015). Collection method: clinical testing. Allele origin: germline.
Comment: In summary, the available evidence is currently insufficient to determine the role of this variant in disease. Therefore, it has been classified as a Variant of Uncertain Significance. Variants that disrupt the consensus splice site are a relatively common cause of aberrant splicing (PMID: 17576681, 9536098). Experimental studies and prediction algorithms are not available or were not evaluated, and the effect of this variant on mRNA splicing is currently unknown. This variant has not been reported in the literature in individuals affected with KIZ-related conditions. This variant is not present in population databases (gnomAD no frequency). This sequence change falls in intron 4 of the KIZ gene. It does not directly change the encoded amino acid sequence of the KIZ protein. It affects a nucleotide within the consensus splice site.

Literature cited by the submitters: PubMed 17576681; PubMed 9536098.